The following is an entry in ClinVar:

ClinVar aggregate classification (germline): Uncertain significance (1 of 4 stars; one submission).

Allele frequency attached by ClinVar (database versions not stated): ExAC 0.00015; gnomAD exomes 0.00015 and 0.00022; ESP Exome Variant Server 0.00023; TOPMed 0.00023; gnomAD 0.00025 and 0.00026.

Submission:

Labcorp Genetics (formerly Invitae), Labcorp
Classification: Uncertain significance. Last evaluated: 2025-12-22. Review status: criteria provided, single submitter. Criteria: Invitae Variant Classification Sherloc (09022015). Collection method: clinical testing. Allele origin: germline.
Comment: This sequence change replaces leucine, which is neutral and non-polar, with valine, which is neutral and non-polar, at codon 32 of the MOCS3 protein (p.Leu32Val). This variant is present in population databases (rs138266702, gnomAD 0.07%), and has an allele count higher than expected for a pathogenic variant. This variant has not been reported in the literature in individuals affected with MOCS3-related conditions. ClinVar contains an entry for this variant (Variation ID: 1509817). An algorithm developed to predict the effect of missense changes on protein structure and function (PolyPhen-2) suggests that this variant is likely to be tolerated. In summary, the available evidence is currently insufficient to determine the role of this variant in disease. Therefore, it has been classified as a Variant of Uncertain Significance.

NM_014484.5(MOCS3):c.94C>G (p.Leu32Val)

Gene: MOCS3 (molybdenum cofactor synthesis 3; plus strand). Cytogenetic location: 20q13.13.
Variant type: single nucleotide variant.
Coding change: c.94C>G on transcript NM_014484.5 (MANE Select); coding-DNA position 94, C replaced by G.
Protein change: p.Leu32Val; replaces leucine 32 with valine.
Molecular consequence: missense variant.
Genome position (GRCh38, 1-based): chr20:50,958,936, C>G. VCF-style: chr20-50958936-C-G. GRCh37 (hg19) VCF-style: chr20-49575473-C-G.
Other names: short protein forms L32V.
Identifiers: ClinVar variation 1509817 (VCV001509817.6), dbSNP rs138266702, ClinGen allele CA9909348.